The following is an entry in ClinVar:

ClinVar aggregate classification (germline): Uncertain significance (1 of 4 stars; one submission).

Conditions:
Inborn genetic diseases. Identifiers: MedGen C0950123, MeSH D030342.

gnomAD v4.1: 5 of 1,613,374 alleles (0.00031%); highest among the groups gnomAD compares: Non-Finnish European, 0.00042%; no homozygotes.

Submission:

Ambry Genetics
Classification: Uncertain significance for Inborn genetic diseases. Last evaluated: 2025-07-09. Review status: criteria provided, single submitter. Criteria: Ambry Variant Classification Scheme 2023. Collection method: clinical testing. Allele origin: germline.
Comment: The p.H427Y variant (also known as c.1279C>T), located in coding exon 1 of the SAMD9 gene, results from a C to T substitution at nucleotide position 1279. The histidine at codon 427 is replaced by tyrosine, an amino acid with similar properties. This amino acid position is conserved. In addition, this alteration is predicted to be tolerated by in silico analysis. Based on the available evidence, the clinical significance of this variant remains unclear.

NM_017654.4(SAMD9):c.1279C>T (p.His427Tyr)

Gene: SAMD9 (sterile alpha motif domain containing 9; minus strand). Cytogenetic location: 7q21.2.
Variant type: single nucleotide variant.
Coding change: c.1279C>T on transcript NM_017654.4 (MANE Select); coding-DNA position 1279, C replaced by T.
Protein change: p.His427Tyr; replaces histidine 427 with tyrosine.
Molecular consequence: missense variant.
Genome position (GRCh38, 1-based): chr7:93,104,819, G>A on the plus strand (C>T on the coding strand, the complement: SAMD9 is on the minus strand). VCF-style: chr7-93104819-G-A. GRCh37 (hg19) VCF-style: chr7-92734132-G-A.
Other names: c.1279C>T, p.His427Tyr (NM_001193307.2); short protein forms H427Y.
Identifiers: ClinVar variation 4159067 (VCV004159067.1).